The following is an entry in ClinVar:

NM_004360.5(CDH1):c.833-34T>C

Gene: CDH1 (cadherin 1; plus strand). Cytogenetic location: 16q22.1.
Variant type: single nucleotide variant.
Coding change: c.833-34T>C on transcript NM_004360.5 (MANE Select); 34 bases into the intron before coding-DNA position 833, T replaced by C.
Molecular consequence: intron variant.
Genome position (GRCh38, 1-based): chr16:68,811,650, T>C. VCF-style: chr16-68811650-T-C. GRCh37 (hg19) VCF-style: chr16-68845553-T-C.
Other names: c.833-34T>C (NM_004360.4, NM_001317184.2); c.-783-34T>C (NM_001317185.2); c.-987-34T>C (NM_001317186.2).
Identifiers: ClinVar variation 1697780 (VCV001697780.8), dbSNP rs574599168, ClinGen allele CA8129944.

ClinVar aggregate classification (germline): Conflicting classifications of pathogenicity. Review status: criteria provided, conflicting classifications (1 of 4 stars). 2 submissions from 2 submitters: Uncertain significance (1); Likely benign (1). Last evaluated 2025-03-04.

Conditions:
Hereditary diffuse gastric adenocarcinoma (HDGC). Also called: DIFFUSE GASTRIC AND LOBULAR BREAST CANCER SYNDROME. Identifiers: Orphanet 26106, MedGen C1708349, MONDO:0007648, OMIM 137215.

Allele frequency attached by ClinVar (database versions not stated): gnomAD 0.00002 and 0.00007; TOPMed 0.00007; gnomAD exomes 0.00012 and 0.00016; 1000 Genomes Project 30x 0.00016; ExAC 0.00017; 1000 Genomes Project 0.00020.
gnomAD v4.1: 192 of 1,606,302 alleles (0.012%); highest among the groups gnomAD compares: Middle Eastern, 0.12%; 1 homozygote.

Submissions (2):

Center for Genomic Medicine, Rigshospitalet, Copenhagen University Hospital
Classification: Likely benign. Last evaluated: 2025-03-04. Review status: criteria provided, single submitter. Criteria: ACMG Guidelines, 2015. Collection method: clinical testing. Allele origin: germline.

European Reference Network on Genetic Tumour Risk Syndromes (ERN-GENTURIS), i3s - Instituto de Investigação e Inovação em Saúde, University of Porto
Classification: Uncertain significance for Hereditary diffuse gastric adenocarcinoma. Last evaluated: 2022-08-01. Review status: criteria provided, single submitter. Criteria: Lee et al. (Hum Mutat. 2018). Collection method: clinical testing. Allele origin: germline. Inheritance: Autosomal dominant inheritance. Affected: no. Study: ERN GENTURIS.
Comment: Not applicable criteria (PMID: 30311375)

Literature cited by the submitters: PubMed 36436516 (cited by European Reference Network on Genetic Tumour Risk Syndromes (ERN-GENTURIS), i3s - Instituto de Investigação e Inovação em Saúde, University of Porto).